The following is an entry in ClinVar:

ClinVar aggregate classification (germline): Uncertain significance (1 of 4 stars; one submission).

Submission:

GeneDx
Classification: Uncertain significance. Last evaluated: 2024-05-01. Review status: criteria provided, single submitter. Criteria: GeneDx Variant Classification Process June 2021. Collection method: clinical testing. Allele origin: germline. Affected: yes.
Comment: Not observed at significant frequency in large population cohorts (gnomAD); In silico analysis indicates that this missense variant does not alter protein structure/function; Has not been previously published as pathogenic or benign to our knowledge

NM_006015.6(ARID1A):c.295G>T (p.Asp99Tyr)

Gene: ARID1A (AT-rich interaction domain 1A; plus strand). Cytogenetic location: 1p36.11.
Variant type: single nucleotide variant.
Coding change: c.295G>T on transcript NM_006015.6 (MANE Select); coding-DNA position 295, G replaced by T.
Protein change: p.Asp99Tyr; replaces aspartic acid 99 with tyrosine.
Molecular consequence: missense variant.
Genome position (GRCh38, 1-based): chr1:26,696,698, G>T. VCF-style: chr1-26696698-G-T. GRCh37 (hg19) VCF-style: chr1-27023189-G-T.
Other names: c.295G>T, p.Asp99Tyr (NM_139135.4); short protein forms D99Y.
Identifiers: ClinVar variation 3373392 (VCV003373392.1).
Genomic context (GRCh38, chr1:26,696,698, plus strand): 5'-AGCAATGGGGGTGGCGGCGGCGGCGGAGCCGGCAGCGGCGGCGGGCCCGGCGCGGAGCCG[G>T]ACCTGAAGAACTCGAACGGGAACGCGGGCCCTAGGCCCGCCCTGAACAATAACCTCACGG-3'
Protein context (NP_006006.3, residues 89-109): GSGGGPGAEP[Asp99Tyr]LKNSNGNAGP